The following is an entry in ClinVar:

NM_004174.4(SLC9A3):c.2303T>C (p.Leu768Pro)

Genes: SLC9A3 (solute carrier family 9 member A3), SLC9A3-AS1 (SLC9A3 antisense RNA 1; plus strand). Cytogenetic location: 5p15.33.
Variant type: single nucleotide variant.
Coding change: c.2303T>C on transcript NM_004174.4 (MANE Select); coding-DNA position 2303, T replaced by C.
Protein change: p.Leu768Pro; replaces leucine 768 with proline.
Molecular consequence: missense variant.
Genome position (GRCh38, 1-based): chr5:475,081, A>G on the plus strand (T>C on the coding strand, the complement: SLC9A3 is on the minus strand). VCF-style: chr5-475081-A-G. GRCh37 (hg19) VCF-style: chr5-475196-A-G.
Other names: c.2276T>C, p.Leu759Pro (NM_001284351.3); short protein forms L759P, L768P.
Identifiers: ClinVar variation 1928096 (VCV001928096.5), dbSNP rs1438075692, ClinGen allele CA359023487.

ClinVar aggregate classification (germline): Uncertain significance (1 of 4 stars; one submission).

Allele frequency attached by ClinVar (database versions not stated): gnomAD exomes below 0.00001.
gnomAD v4.1: 5 of 1,610,980 alleles (0.00031%); highest among the groups gnomAD compares: South Asian, 0.0011%; no homozygotes.

Submission:

Labcorp Genetics (formerly Invitae), Labcorp
Classification: Uncertain significance. Last evaluated: 2025-10-27. Review status: criteria provided, single submitter. Criteria: Invitae Variant Classification Sherloc (09022015). Collection method: clinical testing. Allele origin: germline.
Comment: This sequence change replaces leucine, which is neutral and non-polar, with proline, which is neutral and non-polar, at codon 768 of the SLC9A3 protein (p.Leu768Pro). This variant is present in population databases (no rsID available, gnomAD 0.0009%). This variant has not been reported in the literature in individuals affected with SLC9A3-related conditions. ClinVar contains an entry for this variant (Variation ID: 1928096). An algorithm developed to predict the effect of missense changes on protein structure and function (PolyPhen-2) suggests that this variant is likely to be tolerated. In summary, the available evidence is currently insufficient to determine the role of this variant in disease. Therefore, it has been classified as a Variant of Uncertain Significance.